The following is an entry in ClinVar:

ClinVar aggregate classification (germline): Uncertain significance (1 of 4 stars; one submission).

Conditions:
Hereditary cancer-predisposing syndrome. Also called: Neoplastic Syndromes, Hereditary; Tumor predisposition; Hereditary Cancer Syndrome; Hereditary neoplastic syndrome. Identifiers: Orphanet 140162, MedGen C0027672, MeSH D009386, MONDO:0015356.

Submission:

Ambry Genetics
Classification: Uncertain significance for Hereditary cancer-predisposing syndrome. Last evaluated: 2026-05-04. Review status: criteria provided, single submitter. Criteria: Ambry Variant Classification Scheme 2023. Collection method: clinical testing. Allele origin: germline.
Comment: The p.P1048T variant (also known as c.3142C>A), located in coding exon 19 of the BRIP1 gene, results from a C to A substitution at nucleotide position 3142. The proline at codon 1048 is replaced by threonine, an amino acid with highly similar properties. This amino acid position is conserved. In addition, this alteration is predicted to be tolerated by in silico analysis. Based on the available evidence, the clinical significance of this variant remains unclear.

NM_032043.3(BRIP1):c.3142C>A (p.Pro1048Thr)

Gene: BRIP1 (BRCA1 interacting DNA helicase 1; minus strand). Cytogenetic location: 17q23.2.
Variant type: single nucleotide variant.
Coding change: c.3142C>A on transcript NM_032043.3 (MANE Select); coding-DNA position 3142, C replaced by A.
Protein change: p.Pro1048Thr; replaces proline 1048 with threonine.
Molecular consequence: missense variant.
Genome position (GRCh38, 1-based): chr17:61,683,904, G>T on the plus strand (C>A on the coding strand, the complement: BRIP1 is on the minus strand). VCF-style: chr17-61683904-G-T. GRCh37 (hg19) VCF-style: chr17-59761265-G-T.
Other names: short protein forms P1048T.
Identifiers: ClinVar variation 4867923 (VCV004867923.1).